The following is an entry in ClinVar:

ClinVar aggregate classification (germline): Conflicting classifications of pathogenicity. Review status: criteria provided, conflicting classifications (1 of 4 stars). 6 submissions from 6 submitters: Uncertain significance (1); Benign (2); Likely benign (3). Last evaluated 2026-08-01.

Conditions:
Deafness-encephaloneuropathy-obesity-valvulopathy syndrome. Identifiers: Orphanet 254898, MedGen C3553354, MONDO:0013837, OMIM 614651.
PDSS1-related disorder. Also called: PDSS1-related condition.

Allele frequency attached by ClinVar (database versions not stated): ESP Exome Variant Server 0.00008; gnomAD exomes 0.00016 and 0.00072; gnomAD 0.00026 and 0.00033; TOPMed 0.00060; ExAC 0.00068; 1000 Genomes Project 30x 0.00187; 1000 Genomes Project 0.00200.
gnomAD v4.1: 313 of 1,611,840 alleles (0.019%); highest among the groups gnomAD compares: East Asian, 0.52%; 2 homozygotes.

Submissions (6):

PreventionGenetics, part of Exact Sciences
Classification: Likely benign for PDSS1-related condition. Last evaluated: 2026-08-01. Review status: criteria provided, single submitter. Criteria: ACMG Guidelines, 2015. Collection method: clinical testing. Allele origin: germline.
Comment: This variant is classified as likely benign based on ACMG/AMP sequence variant interpretation guidelines (Richards et al. 2015 PMID: 25741868, with internal and published modifications).

Labcorp Genetics (formerly Invitae), Labcorp
Classification: Benign. Last evaluated: 2026-01-28. Review status: criteria provided, single submitter. Criteria: Invitae Variant Classification Sherloc (09022015). Collection method: clinical testing. Allele origin: germline.

Mayo Clinic Laboratories, Mayo Clinic
Classification: Benign. Last evaluated: 2025-07-23. Review status: criteria provided, single submitter. Criteria: ACMG Guidelines, 2015. Collection method: clinical testing. Allele origin: germline. Observed: 6 variant alleles.
Comment: BA1, BP4, BP7

Blueprint Genetics
Classification: Likely benign. Last evaluated: 2024-11-05. Review status: criteria provided, single submitter. Criteria: ACMG Guidelines, 2015. Collection method: clinical testing. Allele origin: germline.

GeneDx
Classification: Likely benign. Last evaluated: 2017-06-06. Review status: criteria provided, single submitter. Criteria: GeneDx Variant Classification (06012015). Collection method: clinical testing. Allele origin: germline. Affected: yes.
Comment: This variant is considered likely benign or benign based on one or more of the following criteria: it is a conservative change, it occurs at a poorly conserved position in the protein, it is predicted to be benign by multiple in silico algorithms, and/or has population frequency not consistent with disease.

Illumina Laboratory Services, Illumina
Classification: Uncertain significance for Deafness-encephaloneuropathy-obesity-valvulopathy syndrome. Last evaluated: 2017-04-28. Review status: criteria provided, single submitter. Criteria: ICSL Variant Classification Criteria 13 December 2019. Collection method: clinical testing. Allele origin: germline.
Comment: This variant was observed as part of a predisposition screen in an ostensibly healthy population. A literature search was performed for the gene, cDNA change, and amino acid change (where applicable). Publications were found based on this search. However, the evidence from the literature, in combination with allele frequency data from public databases where available, was not sufficient to rule this variant in or out of causing disease. Therefore, this variant is classified as a variant of unknown significance.

Literature cited by the submitters: PubMed 25264263 (cited by Illumina Laboratory Services, Illumina).

NM_014317.5(PDSS1):c.467+9T>G

Gene: PDSS1 (decaprenyl diphosphate synthase subunit 1; plus strand). Cytogenetic location: 10p12.1.
Variant type: single nucleotide variant.
Coding change: c.467+9T>G on transcript NM_014317.5 (MANE Select); 9 bases into the intron after coding-DNA position 467, T replaced by G.
Molecular consequence: intron variant.
Genome position (GRCh38, 1-based): chr10:26,709,777, T>G. VCF-style: chr10-26709777-T-G. GRCh37 (hg19) VCF-style: chr10-26998706-T-G.
Other names: p.?; c.-127+9T>G (NM_001321979.2); c.467+9T>G (NM_001321978.2).
Identifiers: ClinVar variation 509560 (VCV000509560.16), dbSNP rs202187965, ClinGen allele CA5446936.